The following is an entry in ClinVar:

ClinVar aggregate classification (germline): Conflicting classifications of pathogenicity. Review status: criteria provided, conflicting classifications (1 of 4 stars). 4 submissions from 4 submitters: Uncertain significance (1); Likely benign (3). Last evaluated 2024-12-16.

Conditions:
Familial cancer of breast. Also called: hereditary breast carcinoma; Hereditary breast cancer; BREAST CANCER, FAMILIAL. Identifiers: Orphanet 227535, MedGen C0346153, MONDO:0016419, OMIM 114480. Disease mechanism: loss of function.

Allele frequency attached by ClinVar (database versions not stated): TOPMed below 0.00001; gnomAD 0.00001.
gnomAD v4.1: 1 of 1,611,584 alleles (0.000062%); highest among the groups gnomAD compares: Admixed American, 0.0017%; no homozygotes.

Submissions (4):

Women's Health and Genetics/Laboratory Corporation of America, LabCorp
Classification: Likely benign. Last evaluated: 2024-12-16. Review status: criteria provided, single submitter. Criteria: LabCorp Variant Classification Summary - May 2015. Collection method: clinical testing. Allele origin: germline.
Comment: Variant summary: BARD1 c.1568+10T>G alters a nucleotide located at a position not widely known to affect splicing. Consensus agreement among computation tools predict no significant impact on normal splicing (TrAP). However, these predictions have yet to be confirmed by functional studies. The variant was absent in 250950 control chromosomes. The available data on variant occurrences in the general population are insufficient to allow any conclusion about variant significance. To our knowledge, no occurrence of c.1568+10T>G in individuals affected with Breast Cancer and no experimental evidence demonstrating its impact on protein function have been reported. ClinVar contains an entry for this variant (Variation ID: 1092419). Based on the evidence outlined above, the variant was classified as likely benign.

Quest Diagnostics Nichols Institute San Juan Capistrano
Classification: Uncertain significance. Last evaluated: 2024-11-20. Review status: criteria provided, single submitter. Criteria: Quest Diagnostics criteria. Collection method: clinical testing. Allele origin: unknown.
Comment: The BARD1 c.1568+10T>G variant has not been reported in individuals with BARD1-related conditions in the published literature. The frequency of this variant in the general population, 0.000032 (1/31402 chromosomes (Genome Aggregation Database)), is uninformative in the assessment of its pathogenicity. Analysis of this variant using software algorithms for the prediction of the effect of nucleotide changes on splicing yielded predictions that this variant does not affect BARD1 mRNA splicing. Based on the available information, we are unable to determine the clinical significance of this variant.

Labcorp Genetics (formerly Invitae), Labcorp
Classification: Likely benign for Familial cancer of breast. Last evaluated: 2024-08-14. Review status: criteria provided, single submitter. Criteria: Invitae Variant Classification Sherloc (09022015). Collection method: clinical testing. Allele origin: germline.

Myriad Genetics, Inc.
Classification: Likely benign for Familial cancer of breast. Last evaluated: 2024-07-25. Review status: criteria provided, single submitter. Criteria: Myriad Autosomal Dominant, Autosomal Recessive and X-Linked Classification Criteria (2023). Collection method: clinical testing. Allele origin: unknown.
Comment: This variant is considered likely benign. This variant is intronic and is not expected to impact mRNA splicing.

NM_000465.4(BARD1):c.1568+10T>G

Gene: BARD1 (BRCA1 associated RING domain 1; minus strand). Cytogenetic location: 2q35.
Variant type: single nucleotide variant.
Coding change: c.1568+10T>G on transcript NM_000465.4 (MANE Select); 10 bases into the intron after coding-DNA position 1568, T replaced by G.
Molecular consequence: intron variant.
Genome position (GRCh38, 1-based): chr2:214,767,472, A>C on the plus strand (T>G on the coding strand, the complement: BARD1 is on the minus strand). VCF-style: chr2-214767472-A-C. GRCh37 (hg19) VCF-style: chr2-215632196-A-C.
Other names: c.1568+10T>G (NM_000465.3); c.159-14917T>G (NM_001282548.2); c.1511+10T>G (NM_001282543.2); c.216-14917T>G (NM_001282545.2); c.364+24825T>G (NM_001282549.2).
Identifiers: ClinVar variation 1092419 (VCV001092419.13), dbSNP rs1375582645, ClinGen allele CA431128786.